The following is an entry in ClinVar:

ClinVar aggregate classification (germline): Likely benign (1 of 4 stars; one submission).

Allele frequency attached by ClinVar (database versions not stated): gnomAD exomes 0.00102; gnomAD 0.01090 and 0.01173; 1000 Genomes Project 0.01158; TOPMed 0.01208; 1000 Genomes Project 30x 0.01296.
gnomAD v4.1: 3,192 of 1,589,126 alleles (0.2%); highest among the groups gnomAD compares: African/African-American, 3.8%; 52 homozygotes.

Submission:

GeneDx
Classification: Likely benign. Last evaluated: 2018-06-18. Review status: criteria provided, single submitter. Criteria: GeneDx Variant Classification (06012015). Collection method: clinical testing. Allele origin: germline. Affected: yes.
Comment: This variant is considered likely benign or benign based on one or more of the following criteria: it is a conservative change, it occurs at a poorly conserved position in the protein, it is predicted to be benign by multiple in silico algorithms, and/or has population frequency not consistent with disease.

NM_000257.4(MYH7):c.1579-71T>C

Gene: MYH7 (myosin heavy chain 7; minus strand). Cytogenetic location: 14q11.2.
Variant type: single nucleotide variant.
Coding change: c.1579-71T>C on transcript NM_000257.4 (MANE Select); 71 bases into the intron before coding-DNA position 1579, T replaced by C.
Molecular consequence: intron variant.
Genome position (GRCh38, 1-based): chr14:23,427,965, A>G on the plus strand (T>C on the coding strand, the complement: MYH7 is on the minus strand). VCF-style: chr14-23427965-A-G. GRCh37 (hg19) VCF-style: chr14-23897174-A-G.
Identifiers: ClinVar variation 671382 (VCV000671382.1), dbSNP rs45606643, ClinGen allele CA14017843.